The following is an entry in ClinVar:

NM_000088.4(COL1A1):c.769G>T (p.Gly257Ter)

Genes: COL1A1 (collagen type I alpha 1 chain; minus strand), LOC126862586 (CDK7 strongly-dependent group 2 enhancer GRCh37_chr17:48273702-48274901; plus strand). Cytogenetic location: 17q21.33.
Variant type: single nucleotide variant.
Coding change: c.769G>T on transcript NM_000088.4 (MANE Select); coding-DNA position 769, G replaced by T.
Protein change: p.Gly257Ter; replaces glycine 257 with a stop codon.
Molecular consequence: nonsense.
Genome position (GRCh38, 1-based): chr17:50,197,045, C>A on the plus strand (G>T on the coding strand, the complement: COL1A1 is on the minus strand). VCF-style: chr17-50197045-C-A. GRCh37 (hg19) VCF-style: chr17-48274406-C-A.
Other names: short protein forms G257*.
Identifiers: ClinVar variation 2016280 (VCV002016280.4), dbSNP rs72645321, ClinGen allele CA400223885.

ClinVar aggregate classification (germline): Pathogenic (1 of 4 stars; one submission).

Conditions:
Osteogenesis imperfecta type I (OI1). Also called: Osteogenesis imperfecta type 1; Classic Non-deforming Osteogenesis Imperfecta with Blue Sclerae; Lobstein disease; OI, TYPE I; OSTEOGENESIS IMPERFECTA TARDA; OSTEOGENESIS IMPERFECTA WITH BLUE SCLERAE. Identifiers: Orphanet 216796, Orphanet 666, MedGen C0023931, MONDO:0008146, OMIM 166200. Disease mechanism: loss of function.

Submission:

Labcorp Genetics (formerly Invitae), Labcorp
Classification: Pathogenic for Osteogenesis imperfecta type I. Last evaluated: 2023-07-17. Review status: criteria provided, single submitter. Criteria: Invitae Variant Classification Sherloc (09022015). Collection method: clinical testing. Allele origin: germline.
Comment: This sequence change creates a premature translational stop signal (p.Gly257*) in the COL1A1 gene. It is expected to result in an absent or disrupted protein product. Loss-of-function variants in COL1A1 are known to be pathogenic (PMID: 7942841, 9295084, 9443882). This variant is not present in population databases (gnomAD no frequency). For these reasons, this variant has been classified as Pathogenic. ClinVar contains an entry for this variant (Variation ID: 2016280). This variant has not been reported in the literature in individuals affected with COL1A1-related conditions.

Literature cited by the submitters: PubMed 7942841; PubMed 9295084; PubMed 9443882.